The following is an entry in ClinVar:

NM_018718.3(CEP41):c.1022G>A (p.Gly341Asp)

Gene: CEP41 (centrosomal protein 41; minus strand). Cytogenetic location: 7q32.2.
Variant type: single nucleotide variant.
Coding change: c.1022G>A on transcript NM_018718.3 (MANE Select); coding-DNA position 1022, G replaced by A.
Protein change: p.Gly341Asp; replaces glycine 341 with aspartic acid.
Molecular consequence: missense variant. On other transcripts: non-coding transcript variant (1).
Genome position (GRCh38, 1-based): chr7:130,398,991, C>T on the plus strand (G>A on the coding strand, the complement: CEP41 is on the minus strand). VCF-style: chr7-130398991-C-T. GRCh37 (hg19) VCF-style: chr7-130038832-C-T.
Other names: c.806G>A, p.Gly269Asp (NM_001257158.2); c.758G>A, p.Gly253Asp (NM_001257159.2); short protein forms G341D, G253D, G269D.
Identifiers: ClinVar variation 961925 (VCV000961925.6), dbSNP rs1554416156, ClinGen allele CA369286779.

ClinVar aggregate classification (germline): Uncertain significance (1 of 4 stars; one submission).

Conditions:
Joubert syndrome 15 (JBTS15). Identifiers: Orphanet 475, MedGen C3280897, MONDO:0013763, OMIM 614464.

Submission:

Labcorp Genetics (formerly Invitae), Labcorp
Classification: Uncertain significance for Joubert syndrome 15. Last evaluated: 2025-03-31. Review status: criteria provided, single submitter. Criteria: Invitae Variant Classification Sherloc (09022015). Collection method: clinical testing. Allele origin: germline.
Comment: This sequence change replaces glycine, which is neutral and non-polar, with aspartic acid, which is acidic and polar, at codon 341 of the CEP41 protein (p.Gly341Asp). This variant is not present in population databases (gnomAD no frequency). This variant has not been reported in the literature in individuals affected with CEP41-related conditions. ClinVar contains an entry for this variant (Variation ID: 961925). Invitae Evidence Modeling of protein sequence and biophysical properties (such as structural, functional, and spatial information, amino acid conservation, physicochemical variation, residue mobility, and thermodynamic stability) indicates that this missense variant is not expected to disrupt CEP41 protein function with a negative predictive value of 80%. In summary, the available evidence is currently insufficient to determine the role of this variant in disease. Therefore, it has been classified as a Variant of Uncertain Significance.